The following is an entry in ClinVar:

NM_001204.7(BMPR2):c.*5031C>T

Gene: BMPR2 (bone morphogenetic protein receptor type 2; plus strand). Cytogenetic location: 2q33.2.
Variant type: single nucleotide variant.
Coding change: c.*5031C>T on transcript NM_001204.7 (MANE Select); 5031 bases downstream of the stop codon, C replaced by T.
Molecular consequence: 3 prime UTR variant.
Genome position (GRCh38, 1-based): chr2:202,564,977, C>T. VCF-style: chr2-202564977-C-T. GRCh37 (hg19) VCF-style: chr2-203429700-C-T.
Other names: c.*5031C>T (LRG_712t1).
Identifiers: ClinVar variation 333701 (VCV000333701.5), dbSNP rs140700152, ClinGen allele CA10612091.

ClinVar aggregate classification (germline): Benign (1 of 4 stars; one submission).

Conditions:
Pulmonary hypertension, primary, 1 (PPH1). Also called: Pulmonary hypertension, familial primary, 1, with or without HHT. Identifiers: Orphanet 422, MedGen C4552070, MONDO:0024533, OMIM 178600.

Allele frequency attached by ClinVar (database versions not stated): gnomAD 0.01197 and 0.01141; 1000 Genomes Project 0.00280; 1000 Genomes Project 30x 0.00297; TOPMed 0.00904; gnomAD exomes 0.05000.
gnomAD v4.1: 1,716 of 152,078 alleles (1.1%); highest among the groups gnomAD compares: Non-Finnish European, 1.8%; 17 homozygotes.

Submission:

Illumina Laboratory Services, Illumina
Classification: Benign for Pulmonary hypertension, primary, 1. Last evaluated: 2018-01-12. Review status: criteria provided, single submitter. Criteria: ICSL Variant Classification Criteria 13 December 2019. Collection method: clinical testing. Allele origin: germline.
Comment: This variant was observed in the ICSL laboratory as part of a predisposition screen in an ostensibly healthy population. It had not been previously curated by ICSL or reported in the Human Gene Mutation Database (HGMD: prior to June 1st, 2018), and was therefore a candidate for classification through an automated scoring system. Utilizing variant allele frequency, disease prevalence and penetrance estimates, and inheritance mode, an automated score was calculated to assess if this variant is too frequent to cause the disease. Based on the score and internal cut-off values, a variant classified as benign is not then subjected to further curation. The score for this variant resulted in a classification of benign for this disease.